The following is an entry in ClinVar:

NM_201253.3(CRB1):c.2930C>A (p.Thr977Lys)

Gene: CRB1 (crumbs cell polarity complex component 1; plus strand). Cytogenetic location: 1q31.3.
Variant type: single nucleotide variant.
Coding change: c.2930C>A on transcript NM_201253.3 (MANE Select); coding-DNA position 2930, C replaced by A.
Protein change: p.Thr977Lys; replaces threonine 977 with lysine.
Molecular consequence: missense variant. On other transcripts: non-coding transcript variant (2), intron variant (1).
Genome position (GRCh38, 1-based): chr1:197,434,793, C>A. VCF-style: chr1-197434793-C-A. GRCh37 (hg19) VCF-style: chr1-197403923-C-A.
Other names: c.2594C>A, p.Thr865Lys (NM_001193640.2); c.2858C>A, p.Thr953Lys (NM_001257965.2); c.2129-807C>A (NM_001257966.2); short protein forms T865K, T953K, T977K.
Identifiers: ClinVar variation 1012084 (VCV001012084.9), dbSNP rs1665046846, ClinGen allele CA344043681.
Genomic context (GRCh38, chr1:197,434,793, plus strand): 5'-AAAGCGGTCAAATATTATTCAGAAGCAATGGGAATATTACCAGAGAACTCACCAATATCA[C>A]ATTTGGTTTCAGAACAAGGGATGCAAATGTAATAATATTGCATGCAGAAAAAGAGCCTGA-3'
Protein context (NP_957705.1, residues 967-987): GNITRELTNI[Thr977Lys]FGFRTRDANV

ClinVar aggregate classification (germline): Uncertain significance. Review status: criteria provided, single submitter (1 of 4 stars). 2 submissions from 2 submitters: Uncertain significance (1). 1 of the submissions does not count toward it. Last evaluated 2020-10-19.

Conditions:
Retinitis pigmentosa 12 (RP12). Also called: RP WITH OR WITHOUT PRESERVED PARAARTERIOLE RETINAL PIGMENT EPITHELIUM; RETINITIS PIGMENTOSA WITH OR WITHOUT PARAARTERIOLAR PRESERVATION OF RETINAL PIGMENT EPITHELIUM; RP WITH OR WITHOUT PPRPE. Identifiers: Orphanet 791, MedGen C1838647, MONDO:0010818, OMIM 600105.
Leber congenital amaurosis 8 (LCA8). Identifiers: Orphanet 65, MedGen C3151202, MONDO:0013453, OMIM 613835.
Leber congenital amaurosis (LCA). Also called: Leber's amaurosis. Identifiers: Orphanet 65, MedGen C0339527, MeSH D057130, MONDO:0018998.

Allele frequency attached by ClinVar (database versions not stated): gnomAD exomes below 0.00001.
gnomAD v4.1: 1 of 1,613,508 alleles (0.000062%); highest among the groups gnomAD compares: Non-Finnish European, 0.000085%; no homozygotes.

Submissions (2):

Labcorp Genetics (formerly Invitae), Labcorp
Classification: Uncertain significance for Leber congenital amaurosis 8; Retinitis pigmentosa 12. Last evaluated: 2020-10-19. Review status: criteria provided, single submitter. Criteria: Invitae Variant Classification Sherloc (09022015). Collection method: clinical testing. Allele origin: germline.
Comment: In summary, the available evidence is currently insufficient to determine the role of this variant in disease. Therefore, it has been classified as a Variant of Uncertain Significance. Algorithms developed to predict the effect of missense changes on protein structure and function (SIFT, PolyPhen-2, Align-GVGD) all suggest that this variant is likely to be disruptive, but these predictions have not been confirmed by published functional studies and their clinical significance is uncertain. This variant has not been reported in the literature in individuals with CRB1-related conditions. This variant is not present in population databases (ExAC no frequency). This sequence change replaces threonine with lysine at codon 977 of the CRB1 protein (p.Thr977Lys). The threonine residue is highly conserved and there is a moderate physicochemical difference between threonine and lysine.

Natera, Inc.
Classification: Uncertain significance for Leber congenital amaurosis. Last evaluated: 2020-03-13. Review status: no assertion criteria provided. Collection method: clinical testing. Allele origin: germline. Not counted in ClinVar's aggregate classification.